The following is an entry in ClinVar:

NM_024757.5(EHMT1):c.497G>A (p.Ser166Asn)

Gene: EHMT1 (euchromatic histone lysine methyltransferase 1; plus strand). Cytogenetic location: 9q34.3.
Variant type: single nucleotide variant.
Coding change: c.497G>A on transcript NM_024757.5 (MANE Select); coding-DNA position 497, G replaced by A.
Protein change: p.Ser166Asn; replaces serine 166 with asparagine.
Molecular consequence: missense variant.
Genome position (GRCh38, 1-based): chr9:137,717,037, G>A. VCF-style: chr9-137717037-G-A. GRCh37 (hg19) VCF-style: chr9-140611489-G-A.
Other names: c.497G>A, p.Ser166Asn (NM_001145527.2, NM_001354263.2, NM_001354611.2); c.404G>A, p.Ser135Asn (NM_001354259.2, NM_001354612.2); short protein forms S135N, S166N.
Identifiers: ClinVar variation 1313028 (VCV001313028.7), dbSNP rs778503301, ClinGen allele CA5374320.
Genomic context (GRCh38, chr9:137,717,037, plus strand): 5'-CGCTGCCTGGCCATGCTGCAAAAACCCTTCCTGGAGGGGCTGGCAAAGGCAGGACTCCAA[G>A]CGCTTTTCCCCAGACGCCAGCCGCCCCACCAGCCACCCTTGGGGAGGGGAGTGCTGACAC-3'
Protein context (NP_079033.4, residues 156-176): PGGAGKGRTP[Ser166Asn]AFPQTPAAPP

ClinVar aggregate classification (germline): Conflicting classifications of pathogenicity. Review status: criteria provided, conflicting classifications (1 of 4 stars). 3 submissions from 3 submitters: Uncertain significance (1); Benign (1); Likely benign (1). Last evaluated 2023-08-03.

Conditions:
Inborn genetic diseases. Identifiers: MedGen C0950123, MeSH D030342.
Kleefstra syndrome 1 (KLEFS1). Identifiers: Orphanet 261494, MedGen C0795833, MONDO:0027407, OMIM 610253.

Allele frequency attached by ClinVar (database versions not stated): gnomAD exomes 0.00002; ExAC 0.00003.
gnomAD v4.1: 4 of 1,607,178 alleles (0.00025%); highest among the groups gnomAD compares: Admixed American, 0.0017%; no homozygotes.

Submissions (3):

Labcorp Genetics (formerly Invitae), Labcorp
Classification: Benign for Kleefstra syndrome 1. Last evaluated: 2023-08-03. Review status: criteria provided, single submitter. Criteria: Invitae Variant Classification Sherloc (09022015). Collection method: clinical testing. Allele origin: germline.

Ambry Genetics
Classification: Likely benign for Inborn genetic diseases. Last evaluated: 2022-10-26. Review status: criteria provided, single submitter. Criteria: Ambry Variant Classification Scheme 2023. Collection method: clinical testing. Allele origin: germline.

GeneDx
Classification: Uncertain significance. Last evaluated: 2020-01-22. Review status: criteria provided, single submitter. Criteria: GeneDx Variant Classification Process June 2021. Collection method: clinical testing. Allele origin: germline. Affected: yes.
Comment: In silico analysis, which includes protein predictors and evolutionary conservation, supports that this variant does not alter protein structure/function; Has not been previously published as pathogenic or benign to our knowledge